The following is an entry in ClinVar:

ClinVar aggregate classification (germline): Uncertain significance (1 of 4 stars; one submission).

Conditions:
Congenital myotonia, autosomal dominant form (THD). Also called: THOMSEN DISEASE; Myotonia congenita autosomal dominant. Identifiers: Orphanet 614, MedGen C2936781, MONDO:0008055, OMIM 160800.
Congenital myotonia, autosomal recessive form. Also called: BECKER DISEASE; Becker Generalized Myotonia; myotonia congenita, autosomal recessive. Identifiers: Orphanet 614, MedGen C0751360, MONDO:0009715, OMIM 255700.

Submission:

Labcorp Genetics (formerly Invitae), Labcorp
Classification: Uncertain significance for Congenital myotonia, autosomal recessive form; Congenital myotonia, autosomal dominant form. Last evaluated: 2026-01-22. Review status: criteria provided, single submitter. Criteria: Invitae Variant Classification Sherloc (09022015). Collection method: clinical testing. Allele origin: germline.
Comment: This sequence change replaces lysine, which is basic and polar, with threonine, which is neutral and polar, at codon 435 of the CLCN1 protein (p.Lys435Thr). This variant is not present in population databases (gnomAD no frequency). This variant has not been reported in the literature in individuals affected with CLCN1-related conditions. Invitae Evidence Modeling of protein sequence and biophysical properties (such as structural, functional, and spatial information, amino acid conservation, physicochemical variation, residue mobility, and thermodynamic stability) has been performed for this missense variant. However, the output from this modeling did not meet the statistical confidence thresholds required to predict the impact of this variant on CLCN1 protein function. In summary, the available evidence is currently insufficient to determine the role of this variant in disease. Therefore, it has been classified as a Variant of Uncertain Significance.

NM_000083.3(CLCN1):c.1304A>C (p.Lys435Thr)

Gene: CLCN1 (chloride voltage-gated channel 1; plus strand). Cytogenetic location: 7q34.
Variant type: single nucleotide variant.
Coding change: c.1304A>C on transcript NM_000083.3 (MANE Select); coding-DNA position 1304, A replaced by C.
Protein change: p.Lys435Thr; replaces lysine 435 with threonine.
Molecular consequence: missense variant.
Genome position (GRCh38, 1-based): chr7:143,332,776, A>C. VCF-style: chr7-143332776-A-C. GRCh37 (hg19) VCF-style: chr7-143029869-A-C.
Other names: short protein forms K435T.
Identifiers: ClinVar variation 4789705 (VCV004789705.1).